The following is an entry in ClinVar:

ClinVar aggregate classification (germline): Uncertain significance (1 of 4 stars; one submission).

Submission:

GeneDx
Classification: Uncertain significance. Last evaluated: 2022-11-07. Review status: criteria provided, single submitter. Criteria: GeneDx Variant Classification Process June 2021. Collection method: clinical testing. Allele origin: germline. Affected: yes.
Comment: Not observed at significant frequency in large population cohorts (gnomAD); In silico analysis supports that this missense variant has a deleterious effect on protein structure/function; Has not been previously published as pathogenic or benign to our knowledge

NM_001429.4(EP300):c.2113C>G (p.Arg705Gly)

Gene: EP300 (E1A binding protein p300; plus strand). Cytogenetic location: 22q13.2.
Variant type: single nucleotide variant.
Coding change: c.2113C>G on transcript NM_001429.4 (MANE Select); coding-DNA position 2113, C replaced by G.
Protein change: p.Arg705Gly; replaces arginine 705 with glycine.
Molecular consequence: missense variant. On other transcripts: intron variant (1).
Genome position (GRCh38, 1-based): chr22:41,146,798, C>G. VCF-style: chr22-41146798-C-G. GRCh37 (hg19) VCF-style: chr22-41542802-C-G.
Other names: c.2054-1039C>G (NM_001362843.2); short protein forms R705G.
Identifiers: ClinVar variation 2501530 (VCV002501530.1), dbSNP rs2145732463, ClinGen allele CA411689293.